The following is an entry in ClinVar:

NM_000093.5(COL5A1):c.3287G>A (p.Gly1096Glu)

Gene: COL5A1 (collagen type V alpha 1 chain; plus strand). Cytogenetic location: 9q34.3.
Variant type: single nucleotide variant.
Coding change: c.3287G>A on transcript NM_000093.5 (MANE Select); coding-DNA position 3287, G replaced by A.
Protein change: p.Gly1096Glu; replaces glycine 1096 with glutamic acid.
Molecular consequence: missense variant.
Genome position (GRCh38, 1-based): chr9:134,806,217, G>A. VCF-style: chr9-134806217-G-A. GRCh37 (hg19) VCF-style: chr9-137698063-G-A.
Other names: c.3287G>A, p.Gly1096Glu (NM_001278074.1); short protein forms G1096E.
Identifiers: ClinVar variation 2009660 (VCV002009660.5), dbSNP rs2490800946, ClinGen allele CA375451669.

ClinVar aggregate classification (germline): Uncertain significance. Review status: criteria provided, multiple submitters, no conflicts (2 of 4 stars). 2 submissions from 2 submitters: Uncertain significance (2). Last evaluated 2023-07-17.

Conditions:
Ehlers-Danlos syndrome, classic type, 1 (EDSCL1). Also called: EHLERS-DANLOS SYNDROME, GRAVIS TYPE; EHLERS-DANLOS SYNDROME, SEVERE CLASSIC TYPE; Ehlers-Danlos syndrome, type 1; EDS I; Ehlers-Danlos Syndrome, Classic Type, COL5A1-Related. Identifiers: MedGen C0268335, MONDO:0019567, OMIM 130000.

Allele frequency attached by ClinVar (database versions not stated): gnomAD exomes below 0.00001.
gnomAD v4.1: 4 of 1,550,708 alleles (0.00026%); highest among the groups gnomAD compares: Non-Finnish European, 0.00035%; no homozygotes.

Submissions (2):

Victorian Clinical Genetics Services, Murdoch Childrens Research Institute
Classification: Uncertain significance for Ehlers-Danlos syndrome, classic type, 1. Last evaluated: 2023-07-17. Review status: criteria provided, single submitter. Criteria: ACMG Guidelines, 2015. Collection method: clinical testing. Allele origin: germline. Inheritance: Autosomal dominant inheritance. Affected: no.
Comment: Based on the classification scheme VCGS_Germline_v1.3.4, this variant is classified as VUS-3A. Following criteria are met: 0102 - Loss of function is a known mechanism of disease in this gene and is associated with classic type Ehlers-Danlos syndrome 1 (MIM#130000) whereas the mechanism of disease for multifocal fibromuscular dysplasia (MIM#619329) is unknown. Dominant negative is a suggested mechanism of disease (PMID: 32720758). (I) 0107 - This gene is associated with autosomal dominant disease. (I) 0200 - Variant is predicted to result in a missense amino acid change from glycine to glutamic acid. (I) 0251 - This variant is heterozygous. (I) 0301 - Variant is absent from gnomAD (both v2 and v3). (SP) 0501 - Missense variant consistently predicted to be damaging by multiple in silico tools or highly conserved with a major amino acid change. (SP) 0601 - Variant is located in the well-established functional Gly-X-Y motif within the collagen repeat domain, and affects a glycine residue (DECIPHER). However, this is not a well established mechanism of disease in this gene. (SP) 0705 - No comparable missense variants have previous evidence for pathogenicity. (I) 0809 - Previous evidence of pathogenicity for this variant is inconclusive. This variant has been classified as a VUS by a clinical laboratory in ClinVar. (I) 0905 - No published segregation evidence has been identified for this variant. (I) 1007 - No published functional evidence has been identified for this variant. (I) 1208 - Inheritance information for this variant is not currently available in this individual. (I) Legend: (SP) - Supporting pathogenic, (I) - Information, (SB) - Supporting benign

Labcorp Genetics (formerly Invitae), Labcorp
Classification: Uncertain significance for Ehlers-Danlos syndrome, classic type, 1. Last evaluated: 2022-06-23. Review status: criteria provided, single submitter. Criteria: Invitae Variant Classification Sherloc (09022015). Collection method: clinical testing. Allele origin: germline.
Comment: This missense change has been observed in individual(s) with Ehlers-Danlos Syndrome (external communication). This variant is not present in population databases (gnomAD no frequency). This sequence change replaces glycine, which is neutral and non-polar, with glutamic acid, which is acidic and polar, at codon 1096 of the COL5A1 protein (p.Gly1096Glu). In summary, the available evidence is currently insufficient to determine the role of this variant in disease. Therefore, it has been classified as a Variant of Uncertain Significance. This variant disrupts the triple helix domain of COL5A1. Glycine residues within the Gly-Xaa-Yaa repeats of the triple helix domain are required for the structure and stability of fibrillar collagens (PMID: 7695699, 8218237, 19344236), and variants at these glycine residues in COL5A1 are more frequently observed in individuals with disease than in the general population (PMID: 22696272, 23587214). However, the clinical significance of this observation remains uncertain since only a limited number of affected individuals have been described to date. Advanced modeling of protein sequence and biophysical properties (such as structural, functional, and spatial information, amino acid conservation, physicochemical variation, residue mobility, and thermodynamic stability) performed at Invitae indicates that this missense variant is expected to disrupt COL5A1 protein function.

Literature cited by the submitters: PubMed 32720758 (cited by Victorian Clinical Genetics Services, Murdoch Childrens Research Institute); PubMed 7695699 (cited by Labcorp Genetics (formerly Invitae), Labcorp); PubMed 8218237 (cited by Labcorp Genetics (formerly Invitae), Labcorp); PubMed 19344236 (cited by Labcorp Genetics (formerly Invitae), Labcorp); PubMed 22696272 (cited by Labcorp Genetics (formerly Invitae), Labcorp); PubMed 23587214 (cited by Labcorp Genetics (formerly Invitae), Labcorp).